The following is an entry in ClinVar:

ClinVar aggregate classification (germline): Pathogenic (1 of 4 stars; one submission).

Conditions:
Inborn genetic diseases. Identifiers: MedGen C0950123, MeSH D030342.

Submission:

Ambry Genetics
Classification: Pathogenic for Inborn genetic diseases. Last evaluated: 2026-06-25. Review status: criteria provided, single submitter. Criteria: Ambry Variant Classification Scheme 2023. Collection method: clinical testing. Allele origin: germline.
Comment: The p.E298* pathogenic mutation (also known as c.892G>T), located in coding exon 3 of the MBD4 gene, results from a G to T substitution at nucleotide position 892. This changes the amino acid from a glutamic acid to a stop codon within coding exon 3. This variant is considered to be rare based on population cohorts in the Genome Aggregation Database (gnomAD). This alteration is expected to result in loss of function by premature protein truncation or nonsense-mediated mRNA decay. As such, this alteration is interpreted as a disease-causing mutation.

NM_001276270.2(MBD4):c.892G>T (p.Glu298Ter)

Gene: MBD4 (methyl-CpG binding domain 4, DNA glycosylase; minus strand). Cytogenetic location: 3q21.3.
Variant type: single nucleotide variant.
Coding change: c.892G>T on transcript NM_001276270.2 (MANE Select); coding-DNA position 892, G replaced by T.
Protein change: p.Glu298Ter; replaces glutamic acid 298 with a stop codon.
Molecular consequence: nonsense. On other transcripts: intron variant (1).
Genome position (GRCh38, 1-based): chr3:129,436,752, C>A on the plus strand (G>T on the coding strand, the complement: MBD4 is on the minus strand). VCF-style: chr3-129436752-C-A. GRCh37 (hg19) VCF-style: chr3-129155595-C-A.
Other names: c.892G>T, p.Glu298Ter (NM_001276271.2, NM_001276272.2, NM_003925.3); c.247+1056G>T (NM_001276273.2); short protein forms E298*.
Identifiers: ClinVar variation 5024011 (VCV005024011.1).